The following is an entry in ClinVar:

ClinVar aggregate classification (germline): Uncertain significance. Review status: criteria provided, multiple submitters, no conflicts (2 of 4 stars). 4 submissions from 4 submitters: Uncertain significance (4). Last evaluated 2024-05-14.

Conditions:
Lethal congenital glycogen storage disease of heart. Also called: PHOSPHORYLASE KINASE DEFICIENCY OF HEART; GLYCOGEN STORAGE DISEASE OF HEART. Identifiers: Orphanet 439854, MedGen C1849813, MONDO:0009867, OMIM 261740.
Hypertrophic cardiomyopathy. Also called: HYPERTROPHIC MYOCARDIOPATHY. Identifiers: Orphanet 217569, MedGen C0007194, MeSH D002312, MONDO:0005045, HP:0001639.
Cardiovascular phenotype. Identifiers: MedGen CN230736.
Cardiomyopathy (CMYO). Also called: Cardiomyopathies. Identifiers: Orphanet 167848, MedGen C0878544, MONDO:0004994, HP:0001638. Inheritance: Various modes of inheritance.

Allele frequency attached by ClinVar (database versions not stated): TOPMed below 0.00001; ExAC 0.00001; gnomAD 0.00001; gnomAD exomes 0.00001.
gnomAD v4.1: 9 of 1,614,000 alleles (0.00056%); highest among the groups gnomAD compares: South Asian, 0.0011%; no homozygotes.

Submissions (4):

All of Us Research Program, National Institutes of Health
Classification: Uncertain significance for Hypertrophic cardiomyopathy. Last evaluated: 2024-05-14. Review status: criteria provided, single submitter. Criteria: ACMG Guidelines, 2015. Collection method: clinical testing. Allele origin: germline. Inheritance: Autosomal dominant inheritance. Observed: 3 variant alleles, 3 heterozygotes.
Comment: This missense variant replaces threonine with isoleucine at codon 167 of the PRKAG2 protein. Computational prediction suggests that this variant may not impact protein structure and function (internally defined REVEL score threshold <= 0.5, PMID: 27666373). To our knowledge, functional studies have not been reported for this variant. This variant has been reported in an individual affected with dilated cardiomyopathy (PMID: 32880476). This variant has been identified in 2/251470 chromosomes in the general population by the Genome Aggregation Database (gnomAD). The available evidence is insufficient to determine the role of this variant in disease conclusively. Therefore, this variant is classified as a Variant of Uncertain Significance.

This study involves interpretation of variants in research participants for the purpose of population health screening. Participant phenotype was not available at the time of variant classification. Additional details can be found in publication PMID: 35346344, PMCID: PMC8962531

Color Diagnostics, LLC DBA Color Health
Classification: Uncertain significance for Cardiomyopathy. Last evaluated: 2024-04-25. Review status: criteria provided, single submitter. Criteria: ACMG Guidelines, 2015. Collection method: clinical testing. Allele origin: germline.
Comment: This missense variant replaces threonine with isoleucine at codon 167 of the PRKAG2 protein. Computational prediction tools indicate that this variant has a neutral impact on protein structure and function. To our knowledge, functional studies have not been reported for this variant. This variant has been reported in one individual affected with dilated cardiomyopathy (PMID: 32880476). This variant has been identified in 2/251470 chromosomes in the general population by the Genome Aggregation Database (gnomAD). The available evidence is insufficient to determine the role of this variant in disease conclusively. Therefore, this variant is classified as a Variant of Uncertain Significance.

Ambry Genetics
Classification: Uncertain significance for Cardiovascular phenotype. Last evaluated: 2024-03-28. Review status: criteria provided, single submitter. Criteria: Ambry Variant Classification Scheme 2023. Collection method: clinical testing. Allele origin: germline.
Comment: The p.T167I variant (also known as c.500C>T), located in coding exon 4 of the PRKAG2 gene, results from a C to T substitution at nucleotide position 500. The threonine at codon 167 is replaced by isoleucine, an amino acid with similar properties. This alteration has been reported in a dilated cardiomyopathy (DCM) cohort (Verdonschot JAJ et al. Circ Genom Precis Med, 2020 Oct;13:476-487). This amino acid position is highly conserved in available vertebrate species. In addition, this alteration is predicted to be deleterious by in silico analysis. Based on the available evidence, the clinical significance of this alteration remains unclear.

Labcorp Genetics (formerly Invitae), Labcorp
Classification: Uncertain significance for Lethal congenital glycogen storage disease of heart. Last evaluated: 2020-08-16. Review status: criteria provided, single submitter. Criteria: Invitae Variant Classification Sherloc (09022015). Collection method: clinical testing. Allele origin: germline.
Comment: Algorithms developed to predict the effect of missense changes on protein structure and function are either unavailable or do not agree on the potential impact of this missense change (SIFT: "Deleterious"; PolyPhen-2: "Possibly Damaging"; Align-GVGD: "Class C0"). This variant has not been reported in the literature in individuals with PRKAG2-related conditions. This variant is present in population databases (rs766578540, ExAC 0.006%). This sequence change replaces threonine with isoleucine at codon 167 of the PRKAG2 protein (p.Thr167Ile). The threonine residue is moderately conserved and there is a moderate physicochemical difference between threonine and isoleucine. In summary, the available evidence is currently insufficient to determine the role of this variant in disease. Therefore, it has been classified as a Variant of Uncertain Significance.

Literature cited by the submitters: PubMed 32880476 (cited by 3 submitters).

NM_016203.4(PRKAG2):c.500C>T (p.Thr167Ile)

Gene: PRKAG2 (protein kinase AMP-activated non-catalytic subunit gamma 2; minus strand). Cytogenetic location: 7q36.1.
Variant type: single nucleotide variant.
Coding change: c.500C>T on transcript NM_016203.4 (MANE Select); coding-DNA position 500, C replaced by T.
Protein change: p.Thr167Ile; replaces threonine 167 with isoleucine.
Molecular consequence: missense variant.
Genome position (GRCh38, 1-based): chr7:151,675,604, G>A on the plus strand (C>T on the coding strand, the complement: PRKAG2 is on the minus strand). VCF-style: chr7-151675604-G-A. GRCh37 (hg19) VCF-style: chr7-151372690-G-A.
Other names: c.368C>T, p.Thr123Ile (NM_001040633.2); c.128C>T, p.Thr43Ile (NM_001304527.2, NM_001363698.2); c.500C>T (NM_016203.3); short protein forms T43I, T167I, T123I.
Identifiers: ClinVar variation 1042854 (VCV001042854.11), dbSNP rs766578540, ClinGen allele CA057410.